The following is an entry in ClinVar:

ClinVar aggregate classification (germline): Uncertain significance (1 of 4 stars; one submission).

Submission:

GeneDx
Classification: Uncertain significance. Last evaluated: 2024-01-16. Review status: criteria provided, single submitter. Criteria: GeneDx Variant Classification Process June 2021. Collection method: clinical testing. Allele origin: germline. Affected: yes.
Comment: Not observed at significant frequency in large population cohorts (gnomAD); Nonsense variant predicted to result in protein truncation or nonsense mediated decay in a gene or region of a gene for which loss of function is not a well-established mechanism of disease; Has not been previously published as pathogenic or benign to our knowledge

NM_001267550.2(TTN):c.20632G>T (p.Glu6878Ter)

Gene: TTN (titin; minus strand). Cytogenetic location: 2q31.2.
Variant type: single nucleotide variant.
Coding change: c.20632G>T on transcript NM_001267550.2 (MANE Select); coding-DNA position 20632, G replaced by T.
Protein change: p.Glu6878Ter; replaces glutamic acid 6878 with a stop codon.
Molecular consequence: nonsense. On other transcripts: intron variant (3).
Genome position (GRCh38, 1-based): chr2:178,725,572, C>A on the plus strand (G>T on the coding strand, the complement: TTN is on the minus strand). VCF-style: chr2-178725572-C-A. GRCh37 (hg19) VCF-style: chr2-179590299-C-A.
Other names: c.19681G>T, p.Glu6561Ter (NM_001256850.1); c.16900G>T, p.Glu5634Ter (NM_133378.4); c.13282+12510G>T (NM_003319.4); c.13858+12510G>T (NM_133437.4); c.13657+12510G>T (NM_133432.3); short protein forms E5634*, E6561*, E6878*.
Identifiers: ClinVar variation 3340865 (VCV003340865.1).